The following is an entry in ClinVar:

NM_001360016.2(G6PD):c.464A>C (p.His155Pro)

Gene: G6PD (glucose-6-phosphate dehydrogenase; minus strand). Cytogenetic location: Xq28.
Variant type: single nucleotide variant.
Coding change: c.464A>C on transcript NM_001360016.2 (MANE Select); coding-DNA position 464, A replaced by C.
Protein change: p.His155Pro; replaces histidine 155 with proline.
Molecular consequence: missense variant.
Genome position (GRCh38, 1-based): chrX:154,535,189, T>G on the plus strand (A>C on the coding strand, the complement: G6PD is on the minus strand). VCF-style: chrX-154535189-T-G. GRCh37 (hg19) VCF-style: chrX-153763404-T-G.
Other names: c.554A>C, p.His185Pro (NM_000402.4); c.464A>C, p.His155Pro (NM_001042351.3); short protein forms H155P, H185P.
Identifiers: ClinVar variation 2705433 (VCV002705433.3), dbSNP rs2523270760, ClinGen allele CA415238361.

ClinVar aggregate classification (germline): Likely pathogenic (1 of 4 stars; one submission).

Conditions:
Anemia, nonspherocytic hemolytic, due to G6PD deficiency (CNSHA1). Also called: Class I glucose-6-phosphate dehydrogenase deficiency; Favism, susceptibility to; ANEMIA, CONGENITAL, NONSPHEROCYTIC HEMOLYTIC, 1; Hemolytic anemia due to G6PD deficiency. Identifiers: Orphanet 466026, MedGen C2720289, MONDO:0010480, OMIM 300908.

Submission:

Labcorp Genetics (formerly Invitae), Labcorp
Classification: Likely pathogenic for Anemia, nonspherocytic hemolytic, due to G6PD deficiency. Last evaluated: 2023-12-25. Review status: criteria provided, single submitter. Criteria: Invitae Variant Classification Sherloc (09022015). Collection method: clinical testing. Allele origin: germline.
Comment: This sequence change replaces histidine, which is basic and polar, with proline, which is neutral and non-polar, at codon 155 of the G6PD protein (p.His155Pro). This variant is not present in population databases (gnomAD no frequency). This variant has not been reported in the literature in individuals affected with G6PD-related conditions. Advanced modeling of protein sequence and biophysical properties (such as structural, functional, and spatial information, amino acid conservation, physicochemical variation, residue mobility, and thermodynamic stability) performed at Invitae indicates that this missense variant is expected to disrupt G6PD protein function with a positive predictive value of 95%. This variant disrupts the p.His155 amino acid residue in G6PD. Other variant(s) that disrupt this residue have been determined to be pathogenic (PMID: 10782016, 15223006, 33637102). This suggests that this residue is clinically significant, and that variants that disrupt this residue are likely to be disease-causing. In summary, the currently available evidence indicates that the variant is pathogenic, but additional data are needed to prove that conclusively. Therefore, this variant has been classified as Likely Pathogenic.

Literature cited by the submitters: PubMed 10782016; PubMed 15223006; PubMed 33637102.